The following is an entry in ClinVar:

ClinVar aggregate classification (germline): Benign. Review status: criteria provided, multiple submitters, no conflicts (2 of 4 stars). 4 submissions from 4 submitters: Benign (4). Last evaluated 2026-02-01.

Conditions:
Fleck corneal dystrophy (CFD). Also called: CORNEAL DYSTROPHY, FRANCOIS-NEETENS SPECKLED OR FLECKED. Identifiers: Orphanet 98970, MedGen C1562113, MONDO:0007376, OMIM 121850.

Allele frequency attached by ClinVar (database versions not stated): ESP Exome Variant Server 0.99462; TOPMed 0.99481; gnomAD 0.99487 and 0.99524; 1000 Genomes Project 30x 0.99516; 1000 Genomes Project 0.99601; ExAC 0.99847; gnomAD exomes 0.99946.
gnomAD v4.1: 1,612,557 of 1,614,082 alleles (100%); highest among the groups gnomAD compares: East Asian, 100%; 805,530 homozygotes.

Submissions (4):

Labcorp Genetics (formerly Invitae), Labcorp
Classification: Benign. Last evaluated: 2026-02-01. Review status: criteria provided, single submitter. Criteria: Invitae Variant Classification Sherloc (09022015). Collection method: clinical testing. Allele origin: germline.

Genome-Nilou Lab
Classification: Benign for Fleck corneal dystrophy. Last evaluated: 2021-09-05. Review status: criteria provided, single submitter. Criteria: ACMG Guidelines, 2015. Collection method: clinical testing. Allele origin: germline. Affected: no.

Illumina Laboratory Services, Illumina
Classification: Benign for Fleck corneal dystrophy. Last evaluated: 2018-01-12. Review status: criteria provided, single submitter. Criteria: ICSL Variant Classification Criteria 13 December 2019. Collection method: clinical testing. Allele origin: germline.
Comment: This variant was observed in the ICSL laboratory as part of a predisposition screen in an ostensibly healthy population. It had not been previously curated by ICSL or reported in the Human Gene Mutation Database (HGMD: prior to June 1st, 2018), and was therefore a candidate for classification through an automated scoring system. Utilizing variant allele frequency, disease prevalence and penetrance estimates, and inheritance mode, an automated score was calculated to assess if this variant is too frequent to cause the disease. Based on the score and internal cut-off values, a variant classified as benign is not then subjected to further curation. The score for this variant resulted in a classification of benign for this disease.

Breakthrough Genomics
Classification: Benign. Review status: criteria provided, single submitter. Criteria: ACMG Guidelines, 2015. Collection method: not provided. Allele origin: germline. Inheritance: Autosomal dominant inheritance. Affected: yes.

NM_015040.4(PIKFYVE):c.3564T>C (p.Asn1188=)

Gene: PIKFYVE (phosphoinositide kinase, FYVE-type zinc finger containing; plus strand). Cytogenetic location: 2q34.
Variant type: single nucleotide variant.
Coding change: c.3564T>C on transcript NM_015040.4 (MANE Select); coding-DNA position 3564, T replaced by C.
Protein change: p.Asn1188=; no amino-acid change (asparagine 1188 retained).
Molecular consequence: synonymous variant.
Genome position (GRCh38, 1-based): chr2:208,326,375, T>C. VCF-style: chr2-208326375-T-C. GRCh37 (hg19) VCF-style: chr2-209191099-T-C.
Identifiers: ClinVar variation 333918 (VCV000333918.15), dbSNP rs1529978, ClinGen allele CA2080062.